The following is an entry in ClinVar:

ClinVar aggregate classification (germline): Uncertain significance. Review status: criteria provided, multiple submitters, no conflicts (2 of 4 stars). 3 submissions from 3 submitters: Uncertain significance (3). Last evaluated 2025-12-21.

Allele frequency attached by ClinVar (database versions not stated): gnomAD exomes 0.00002 and 0.00004; ExAC 0.00003; gnomAD 0.00004; TOPMed 0.00006; ESP Exome Variant Server 0.00023.

Submissions (3):

Labcorp Genetics (formerly Invitae), Labcorp
Classification: Uncertain significance. Last evaluated: 2025-12-21. Review status: criteria provided, single submitter. Criteria: Invitae Variant Classification Sherloc (09022015). Collection method: clinical testing. Allele origin: germline.
Comment: This sequence change replaces alanine, which is neutral and non-polar, with threonine, which is neutral and polar, at codon 191 of the GUCA1B protein (p.Ala191Thr). This variant is present in population databases (rs373171101, gnomAD 0.01%). This variant has not been reported in the literature in individuals affected with GUCA1B-related conditions. ClinVar contains an entry for this variant (Variation ID: 1026021). An algorithm developed to predict the effect of missense changes on protein structure and function outputs the following: PolyPhen-2: "Benign". The threonine amino acid residue is found in multiple mammalian species, which suggests that this missense change does not adversely affect protein function. In summary, the available evidence is currently insufficient to determine the role of this variant in disease. Therefore, it has been classified as a Variant of Uncertain Significance.

Ambry Genetics
Classification: Uncertain significance. Last evaluated: 2021-08-17. Review status: criteria provided, single submitter. Criteria: Ambry Variant Classification Scheme 2023. Collection method: clinical testing. Allele origin: germline.

Breakthrough Genomics
Classification: Uncertain significance. Review status: criteria provided, single submitter. Criteria: ACMG Guidelines, 2015. Collection method: not provided. Allele origin: germline. Inheritance: Unknown mechanism. Affected: yes.

NM_002098.6(GUCA1B):c.571G>A (p.Ala191Thr)

Gene: GUCA1B (guanylate cyclase activator 1B; minus strand). Cytogenetic location: 6p21.1.
Variant type: single nucleotide variant.
Coding change: c.571G>A on transcript NM_002098.6 (MANE Select); coding-DNA position 571, G replaced by A.
Protein change: p.Ala191Thr; replaces alanine 191 with threonine.
Molecular consequence: missense variant.
Genome position (GRCh38, 1-based): chr6:42,184,847, C>T on the plus strand (G>A on the coding strand, the complement: GUCA1B is on the minus strand). VCF-style: chr6-42184847-C-T. GRCh37 (hg19) VCF-style: chr6-42152585-C-T.
Other names: c.571G>A (NM_002098.5); short protein forms A191T.
Identifiers: ClinVar variation 1026021 (VCV001026021.8), dbSNP rs373171101, ClinGen allele CA3805496.